The following is an entry in ClinVar:

NM_152383.5(DIS3L2):c.767A>G (p.Asp256Gly)

Gene: DIS3L2 (DIS3 like 3'-5' exoribonuclease 2; plus strand). Cytogenetic location: 2q37.1.
Variant type: single nucleotide variant.
Coding change: c.767A>G on transcript NM_152383.5 (MANE Select); coding-DNA position 767, A replaced by G.
Protein change: p.Asp256Gly; replaces aspartic acid 256 with glycine.
Molecular consequence: missense variant. On other transcripts: non-coding transcript variant (1).
Genome position (GRCh38, 1-based): chr2:232,136,536, A>G. VCF-style: chr2-232136536-A-G. GRCh37 (hg19) VCF-style: chr2-233001246-A-G.
Other names: c.767A>G, p.Asp256Gly (NM_001257281.2); short protein forms D256G.
Identifiers: ClinVar variation 957177 (VCV000957177.9), dbSNP rs781224944, ClinGen allele CA2163946.

ClinVar aggregate classification (germline): Uncertain significance (1 of 4 stars; one submission).

Conditions:
Perlman syndrome (PRLMNS). Identifiers: Orphanet 2849, MedGen C0796113, MONDO:0009965, OMIM 267000.

Allele frequency attached by ClinVar (database versions not stated): gnomAD exomes below 0.00001; ExAC 0.00001.
gnomAD v4.1: 5 of 1,614,082 alleles (0.00031%); highest among the groups gnomAD compares: Non-Finnish European, 0.00025%; no homozygotes.

Submission:

Labcorp Genetics (formerly Invitae), Labcorp
Classification: Uncertain significance for Perlman syndrome. Last evaluated: 2021-12-27. Review status: criteria provided, single submitter. Criteria: Invitae Variant Classification Sherloc (09022015). Collection method: clinical testing. Allele origin: germline.
Comment: This sequence change replaces aspartic acid, which is acidic and polar, with glycine, which is neutral and non-polar, at codon 256 of the DIS3L2 protein (p.Asp256Gly). In summary, the available evidence is currently insufficient to determine the role of this variant in disease. Therefore, it has been classified as a Variant of Uncertain Significance. Algorithms developed to predict the effect of sequence changes on RNA splicing suggest that this variant may create or strengthen a splice site. Algorithms developed to predict the effect of missense changes on protein structure and function (SIFT, PolyPhen-2, Align-GVGD) all suggest that this variant is likely to be tolerated. ClinVar contains an entry for this variant (Variation ID: 957177). This variant has not been reported in the literature in individuals affected with DIS3L2-related conditions. This variant is present in population databases (rs781224944, gnomAD 0.0009%).